The following is an entry in ClinVar:

NM_006129.5(BMP1):c.816C>T (p.Tyr272=)

Gene: BMP1 (bone morphogenetic protein 1; plus strand). Cytogenetic location: 8p21.3.
Variant type: single nucleotide variant.
Coding change: c.816C>T on transcript NM_006129.5 (MANE Select); coding-DNA position 816, C replaced by T.
Protein change: p.Tyr272=; no amino-acid change (tyrosine 272 retained).
Molecular consequence: synonymous variant. On other transcripts: non-coding transcript variant (2).
Genome position (GRCh38, 1-based): chr8:22,177,937, C>T. VCF-style: chr8-22177937-C-T. GRCh37 (hg19) VCF-style: chr8-22035450-C-T.
Other names: c.816C>T (NM_006129.4); c.816C>T, p.Tyr272= (NM_001199.4).
Identifiers: ClinVar variation 1591255 (VCV001591255.10), dbSNP rs766344543, ClinGen allele CA4664430.

ClinVar aggregate classification (germline): Likely benign. Review status: criteria provided, single submitter (1 of 4 stars). 2 submissions from 2 submitters: Likely benign (1). 1 of the submissions does not count toward it. Last evaluated 2024-02-12.

Conditions:
BMP1-related disorder. Also called: BMP1-related condition.

Allele frequency attached by ClinVar (database versions not stated): ExAC 0.00001; gnomAD exomes 0.00001 and 0.00002; gnomAD 0.00003 and 0.00004; TOPMed 0.00003.

Submissions (2):

Labcorp Genetics (formerly Invitae), Labcorp
Classification: Likely benign. Last evaluated: 2024-02-12. Review status: criteria provided, single submitter. Criteria: Invitae Variant Classification Sherloc (09022015). Collection method: clinical testing. Allele origin: germline.

PreventionGenetics, part of Exact Sciences
Classification: Likely benign for BMP1-related condition. Last evaluated: 2019-05-20. Review status: no assertion criteria provided. Collection method: clinical testing. Allele origin: germline. Not counted in ClinVar's aggregate classification.
Comment: This variant is classified as likely benign based on ACMG/AMP sequence variant interpretation guidelines (Richards et al. 2015 PMID: 25741868, with internal and published modifications).